The following is an entry in ClinVar:

ClinVar aggregate classification (germline): Uncertain significance. Review status: criteria provided, multiple submitters, no conflicts (2 of 4 stars). 2 submissions from 2 submitters: Uncertain significance (2). Last evaluated 2025-01-21.

Allele frequency attached by ClinVar (database versions not stated): gnomAD 0.00001; gnomAD exomes 0.00001; ExAC 0.00002.

Submissions (2):

Ambry Genetics
Classification: Uncertain significance. Last evaluated: 2025-01-21. Review status: criteria provided, single submitter. Criteria: Ambry Variant Classification Scheme 2023. Collection method: clinical testing. Allele origin: germline.

Labcorp Genetics (formerly Invitae), Labcorp
Classification: Uncertain significance. Last evaluated: 2024-09-23. Review status: criteria provided, single submitter. Criteria: Invitae Variant Classification Sherloc (09022015). Collection method: clinical testing. Allele origin: germline.
Comment: This sequence change replaces histidine, which is basic and polar, with tyrosine, which is neutral and polar, at codon 146 of the SNIP1 protein (p.His146Tyr). This variant is present in population databases (rs748115092, gnomAD 0.006%). This variant has not been reported in the literature in individuals affected with SNIP1-related conditions. ClinVar contains an entry for this variant (Variation ID: 1922095). Invitae Evidence Modeling of protein sequence and biophysical properties (such as structural, functional, and spatial information, amino acid conservation, physicochemical variation, residue mobility, and thermodynamic stability) indicates that this missense variant is not expected to disrupt SNIP1 protein function with a negative predictive value of 80%. In summary, the available evidence is currently insufficient to determine the role of this variant in disease. Therefore, it has been classified as a Variant of Uncertain Significance.

NM_024700.4(SNIP1):c.436C>T (p.His146Tyr)

Genes: SNIP1 (Smad nuclear interacting protein 1; minus strand), LOC126805704 (BRD4-independent group 4 enhancer GRCh37_chr1:38005292-38006491; plus strand). Cytogenetic location: 1p34.3.
Variant type: single nucleotide variant.
Coding change: c.436C>T on transcript NM_024700.4 (MANE Select); coding-DNA position 436, C replaced by T.
Protein change: p.His146Tyr; replaces histidine 146 with tyrosine.
Molecular consequence: missense variant.
Genome position (GRCh38, 1-based): chr1:37,540,647, G>A on the plus strand (C>T on the coding strand, the complement: SNIP1 is on the minus strand). VCF-style: chr1-37540647-G-A. GRCh37 (hg19) VCF-style: chr1-38006248-G-A.
Other names: c.436C>T (NM_024700.2); short protein forms H146Y.
Identifiers: ClinVar variation 1922095 (VCV001922095.6), dbSNP rs748115092, ClinGen allele CA771330.